The following is an entry in ClinVar:

ClinVar aggregate classification (germline): Pathogenic (1 of 4 stars; one submission).

Conditions:
Partial hypoxanthine-guanine phosphoribosyltransferase deficiency. Also called: HPRT DEFICIENCY, PARTIAL; HYPOXANTHINE GUANINE PHOSPHORIBOSYLTRANSFERASE 1 DEFICIENCY, PARTIAL; Kelley-Seegmiller Syndrome; GOUT, HPRT-RELATED; HPRT1 DEFICIENCY, PARTIAL. Identifiers: Orphanet 79233, MedGen C0268117, MONDO:0010299, OMIM 300323.
Lesch-Nyhan syndrome (LNS). Also called: HPRT DEFICIENCY, COMPLETE; Lesch-Nyhan Disease (LND). Identifiers: Orphanet 510, MedGen C0023374, MONDO:0010298, OMIM 300322.

Submission:

Labcorp Genetics (formerly Invitae), Labcorp
Classification: Pathogenic for Lesch-Nyhan syndrome; Partial hypoxanthine-guanine phosphoribosyltransferase deficiency. Last evaluated: 2025-10-02. Review status: criteria provided, single submitter. Criteria: Invitae Variant Classification Sherloc (09022015). Collection method: clinical testing. Allele origin: germline.
Comment: This sequence change creates a premature translational stop signal (p.Glu14Aspfs*28) in the HPRT1 gene. It is expected to result in an absent or disrupted protein product. Loss-of-function variants in HPRT1 are known to be pathogenic (PMID: 15571220, 17027311, 22157001). This variant is not present in population databases (gnomAD no frequency). This variant has not been reported in the literature in individuals affected with HPRT1-related conditions. ClinVar contains an entry for this variant (Variation ID: 2921770). For these reasons, this variant has been classified as Pathogenic.

Literature cited by the submitters: PubMed 15571220; PubMed 17027311; PubMed 22157001.

NM_000194.3(HPRT1):c.42del (p.Glu14fs)

Gene: HPRT1 (hypoxanthine phosphoribosyltransferase 1; plus strand). Cytogenetic location: Xq26.2.
Variant type: Deletion.
Coding change: c.42del on transcript NM_000194.3 (MANE Select); coding-DNA position 42, one base deleted (A; older notation c.42delA).
Protein change: p.Glu14fs; shifts the reading frame from glutamic acid 14.
Molecular consequence: frameshift variant.
Genome position (GRCh38, 1-based): chrX:134,473,373, A deleted; the last of 2 consecutive A bases (chrX:134,473,372-134,473,373); deleting either gives the same sequence. VCF-style (leftmost placement, unchanged base first): chrX-134473371-GA-G. GRCh37 (hg19) VCF-style: chrX-133607401-GA-G.
Other names: short protein forms E14fs.
Identifiers: ClinVar variation 2921770 (VCV002921770.3), dbSNP rs2520780587, ClinGen allele CA2740092274.